The following is an entry in ClinVar:

NM_017617.5(NOTCH1):c.2783C>T (p.Thr928Met)

Gene: NOTCH1 (notch receptor 1; minus strand). Cytogenetic location: 9q34.3.
Variant type: single nucleotide variant.
Coding change: c.2783C>T on transcript NM_017617.5 (MANE Select); coding-DNA position 2783, C replaced by T.
Protein change: p.Thr928Met; replaces threonine 928 with methionine.
Molecular consequence: missense variant.
Genome position (GRCh38, 1-based): chr9:136,509,919, G>A on the plus strand (C>T on the coding strand, the complement: NOTCH1 is on the minus strand). VCF-style: chr9-136509919-G-A. GRCh37 (hg19) VCF-style: chr9-139404371-G-A.
Other names: short protein forms T928M.
Identifiers: ClinVar variation 1514596 (VCV001514596.13), dbSNP rs764921648, ClinGen allele CA5341147.
Genomic context (GRCh38, chr9:136,509,919, plus strand): 5'-TCGTTGATGTCCTCCTCACAGAAAGTGCCCCGGAAGCCGGGCAGGCAGTCGCAGAAGGCC[G>A]TGTTGATGCCGTCTGTGCAGGAGCCCCCGTTGTGACACGGGTCTGGGAGAGGACGGAAGG-3'
Protein context (NP_060087.3, residues 918-938): NGGSCTDGIN[Thr928Met]AFCDCLPGFR

ClinVar aggregate classification (germline): Conflicting classifications of pathogenicity. Review status: criteria provided, conflicting classifications (1 of 4 stars). 4 submissions from 4 submitters: Uncertain significance (3); Benign (1). Last evaluated 2025-10-03.

Conditions:
Aortic valve disease 1 (AOVD1). Identifiers: MedGen C3887892, MONDO:0024523, OMIM 109730.
Adams-Oliver syndrome 5 (AOS5). Identifiers: Orphanet 974, MedGen C4014970, MONDO:0014459, OMIM 616028.
Familial thoracic aortic aneurysm and aortic dissection (TAAD). Also called: Thoracic aortic aneurysms and dissections. Identifiers: Orphanet 91387, MedGen C4707243, MONDO:0019625.

Allele frequency attached by ClinVar (database versions not stated): TOPMed 0.00002; ExAC 0.00005; gnomAD exomes 0.00005.
gnomAD v4.1: 34 of 1,613,166 alleles (0.0021%); highest among the groups gnomAD compares: Admixed American, 0.01%; no homozygotes.

Submissions (4):

Labcorp Genetics (formerly Invitae), Labcorp
Classification: Benign for Adams-Oliver syndrome 5. Last evaluated: 2025-10-03. Review status: criteria provided, single submitter. Criteria: Invitae Variant Classification Sherloc (09022015). Collection method: clinical testing. Allele origin: germline.

Ambry Genetics
Classification: Uncertain significance for Familial thoracic aortic aneurysm and aortic dissection. Last evaluated: 2024-02-06. Review status: criteria provided, single submitter. Criteria: Ambry Variant Classification Scheme 2023. Collection method: clinical testing. Allele origin: germline.
Comment: The p.T928M variant (also known as c.2783C>T), located in coding exon 18 of the NOTCH1 gene, results from a C to T substitution at nucleotide position 2783. The threonine at codon 928 is replaced by methionine, an amino acid with similar properties. This amino acid position is poorly conserved in available vertebrate species, and methionine is the reference amino acid in other vertebrate species. In addition, this alteration is predicted to be tolerated by in silico analysis. Since supporting evidence is limited at this time, the clinical significance of this alteration remains unclear.

Fulgent Genetics
Classification: Uncertain significance for Aortic valve disease 1; Adams-Oliver syndrome 5. Last evaluated: 2021-10-15. Review status: criteria provided, single submitter. Criteria: ACMG Guidelines, 2015. Collection method: clinical testing. Allele origin: unknown.

Revvity Omics, Revvity
Classification: Uncertain significance. Last evaluated: 2019-05-16. Review status: criteria provided, single submitter. Criteria: ACMG Guidelines, 2015. Collection method: clinical testing. Allele origin: germline.